The following is an entry in ClinVar:

NM_001001563.5(TIMM50):c.704C>T (p.Ser235Leu)

Gene: TIMM50 (translocase of inner mitochondrial membrane 50; plus strand). Cytogenetic location: 19q13.2.
Variant type: single nucleotide variant.
Coding change: c.704C>T on transcript NM_001001563.5 (MANE Select); coding-DNA position 704, C replaced by T.
Protein change: p.Ser235Leu; replaces serine 235 with leucine.
Molecular consequence: missense variant.
Genome position (GRCh38, 1-based): chr19:39,488,068, C>T. VCF-style: chr19-39488068-C-T. GRCh37 (hg19) VCF-style: chr19-39978708-C-T.
Other names: c.365C>T, p.Ser122Leu (NM_001329559.2); short protein forms S122L, S235L.
Identifiers: ClinVar variation 1993133 (VCV001993133.4), dbSNP rs2514623453, ClinGen allele CA405789078.
Genomic context (GRCh38, chr19:39,488,068, plus strand): 5'-GATGGGGGGAGAGTTGGGCACAGATGTTGACCTGATCTGTCACTCACTTCCAGGATATTT[C>T]ATGTCTGAATCGGGACCCAGCTCGAGTAGTAGTTGTGGACTGCAAGAAGGAAGCCTTCCG-3'
Protein context (NP_001001563.2, residues 225-245): YMDGHHVKDI[Ser235Leu]CLNRDPARVV

ClinVar aggregate classification (germline): Uncertain significance (1 of 4 stars; one submission).

Submission:

Labcorp Genetics (formerly Invitae), Labcorp
Classification: Uncertain significance. Last evaluated: 2022-05-11. Review status: criteria provided, single submitter. Criteria: Invitae Variant Classification Sherloc (09022015). Collection method: clinical testing. Allele origin: germline.
Comment: This sequence change replaces serine, which is neutral and polar, with leucine, which is neutral and non-polar, at codon 338 of the TIMM50 protein (p.Ser338Leu). This variant is not present in population databases (gnomAD no frequency). This variant has not been reported in the literature in individuals affected with TIMM50-related conditions. Algorithms developed to predict the effect of missense changes on protein structure and function are either unavailable or do not agree on the potential impact of this missense change (SIFT: "Not Available"; PolyPhen-2: "Probably Damaging"; Align-GVGD: "Not Available"). In summary, the available evidence is currently insufficient to determine the role of this variant in disease. Therefore, it has been classified as a Variant of Uncertain Significance.